The following is an entry in ClinVar:

ClinVar aggregate classification (germline): Benign (1 of 4 stars; one submission).

Allele frequency attached by ClinVar (database versions not stated): 1000 Genomes Project 30x 0.04966.

Submission:

CeGaT Center for Human Genetics Tuebingen
Classification: Benign. Last evaluated: 2022-07-01. Review status: criteria provided, single submitter. Criteria: CeGaT Center For Human Genetics Tuebingen Variant Classification Criteria Version 2. Collection method: clinical testing. Allele origin: germline. Affected: yes. Observed: 1 variant allele.
Comment: AHNAK2: BS1, BS2

NM_138420.4(AHNAK2):c.3400G>C (p.Glu1134Gln)

Gene: AHNAK2 (AHNAK nucleoprotein 2; minus strand). Cytogenetic location: 14q32.33.
Variant type: single nucleotide variant.
Coding change: c.3400G>C on transcript NM_138420.4 (MANE Select); coding-DNA position 3400, G replaced by C.
Protein change: p.Glu1134Gln; replaces glutamic acid 1134 with glutamine.
Molecular consequence: missense variant.
Genome position (GRCh38, 1-based): chr14:104,952,051, C>G on the plus strand (G>C on the coding strand, the complement: AHNAK2 is on the minus strand). VCF-style: chr14-104952051-C-G. GRCh37 (hg19) VCF-style: chr14-105418388-C-G.
Other names: c.3100G>C, p.Glu1034Gln (NM_001350929.2); short protein forms E1034Q, E1134Q.
Identifiers: ClinVar variation 2644854 (VCV002644854.24), dbSNP rs201416460, ClinGen allele CA7383061.